The following is an entry in ClinVar:

ClinVar aggregate classification (germline): Pathogenic. Review status: criteria provided, multiple submitters, no conflicts (2 of 4 stars). 2 submissions from 2 submitters: Pathogenic (2). Last evaluated 2025-07-02.

Conditions:
Hypertrophic cardiomyopathy. Also called: HYPERTROPHIC MYOCARDIOPATHY. Identifiers: Orphanet 217569, MedGen C0007194, MeSH D002312, MONDO:0005045, HP:0001639.

Submissions (2):

Labcorp Genetics (formerly Invitae), Labcorp
Classification: Pathogenic for Hypertrophic cardiomyopathy. Last evaluated: 2025-07-02. Review status: criteria provided, single submitter. Criteria: Invitae Variant Classification Sherloc (09022015). Collection method: clinical testing. Allele origin: germline.
Comment: This sequence change creates a premature translational stop signal (p.Ala109Profs*50) in the MYBPC3 gene. It is expected to result in an absent or disrupted protein product. Loss-of-function variants in MYBPC3 are known to be pathogenic (PMID: 19574547). This variant is not present in population databases (gnomAD no frequency). This variant has not been reported in the literature in individuals affected with MYBPC3-related conditions. ClinVar contains an entry for this variant (Variation ID: 181157). For these reasons, this variant has been classified as Pathogenic.

GeneDx
Classification: Pathogenic. Last evaluated: 2015-08-24. Review status: criteria provided, single submitter. Criteria: GeneDx Variant Classification (06012015). Collection method: clinical testing. Allele origin: germline. Affected: yes.
Comment: The c.324delT mutation in the MYBPC3 gene has not been previously published as a disease-causing mutation or as a benign polymorphism to our knowledge. The c.324delT mutation was not observed in approximately 6,000 individuals of European and African American ancestry in the NHLBI Exome Sequencing Project, indicating it is not a common benign variant in these populations. This mutation is predicted to cause loss of normal protein function either due to production of an abnormal, prematurely truncated protein, or by absence of protein product due to nonsense mediated mRNA decay.

Literature cited by the submitters: PubMed 19574547 (cited by Labcorp Genetics (formerly Invitae), Labcorp).

NM_000256.3(MYBPC3):c.324del (p.Ala109fs)

Gene: MYBPC3 (myosin binding protein C3; minus strand). Cytogenetic location: 11p11.2.
Variant type: Deletion.
Coding change: c.324del on transcript NM_000256.3 (MANE Select); coding-DNA position 324, one base deleted (T; older notation c.324delT).
Protein change: p.Ala109fs; shifts the reading frame from alanine 109.
Molecular consequence: frameshift variant.
Genome position (GRCh38, 1-based): chr11:47,350,584, A deleted on the plus strand (T on the coding strand, the reverse complement: MYBPC3 is on the minus strand). VCF-style (leftmost placement, unchanged base first): chr11-47350583-CA-C. GRCh37 (hg19) VCF-style: chr11-47372134-CA-C.
Other names: c.324del, p.Ala109fs (LRG_386t1); c.324delT (NM_000256.3); short protein forms A109fs.
Identifiers: ClinVar variation 181157 (VCV000181157.5), dbSNP rs730880721, ClinGen allele CA013720.